The following is an entry in ClinVar:

NM_000466.3(PEX1):c.2416+1G>A

Gene: PEX1 (peroxisomal biogenesis factor 1; minus strand). Cytogenetic location: 7q21.2.
Variant type: single nucleotide variant.
Coding change: c.2416+1G>A on transcript NM_000466.3 (MANE Select); the canonical splice donor site of the intron after coding-DNA position 2416, G replaced by A.
Molecular consequence: splice donor variant.
Genome position (GRCh38, 1-based): chr7:92,501,889, C>T on the plus strand (G>A on the coding strand, the complement: PEX1 is on the minus strand). VCF-style: chr7-92501889-C-T. GRCh37 (hg19) VCF-style: chr7-92131203-C-T.
Other names: c.1792+1G>A (NM_001282678.2); c.2245+1G>A (NM_001282677.2).
Identifiers: ClinVar variation 2852274 (VCV002852274.3), dbSNP rs2484661382, ClinGen allele CA368176775.

ClinVar aggregate classification (germline): Pathogenic (1 of 4 stars; one submission).

Conditions:
Zellweger spectrum disorders (ZS). Also called: Zellweger Spectrum Disorder; Zellweger Spectrum; Zellweger syndrome; Zellweger Spectrum Disorder (ZSD). Identifiers: Orphanet 912, MedGen C0043459, MONDO:0019609.

Submission:

Labcorp Genetics (formerly Invitae), Labcorp
Classification: Pathogenic for Zellweger spectrum disorders. Last evaluated: 2023-04-06. Review status: criteria provided, single submitter. Criteria: Invitae Variant Classification Sherloc (09022015). Collection method: clinical testing. Allele origin: germline.
Comment: This sequence change affects a donor splice site in intron 14 of the PEX1 gene. It is expected to disrupt RNA splicing. Variants that disrupt the donor or acceptor splice site typically lead to a loss of protein function (PMID: 16199547), and loss-of-function variants in PEX1 are known to be pathogenic (PMID: 9398847, 16086329, 16141001, 21031596, 26387595, 31831025). This variant is not present in population databases (gnomAD no frequency). Disruption of this splice site has been observed in individual(s) with clinical features of Zellweger syndrome (PMID: 28432012). In at least one individual the data is consistent with being in trans (on the opposite chromosome) from a pathogenic variant. Algorithms developed to predict the effect of sequence changes on RNA splicing suggest that this variant may disrupt the consensus splice site. For these reasons, this variant has been classified as Pathogenic.

Literature cited by the submitters: PubMed 16199547; PubMed 9398847; PubMed 16086329; PubMed 16141001; PubMed 21031596; PubMed 26387595; PubMed 31831025; PubMed 28432012.